The following is an entry in ClinVar:

NM_014244.5(ADAMTS2):c.2404G>A (p.Gly802Ser)

Gene: ADAMTS2 (ADAM metallopeptidase with thrombospondin type 1 motif 2; minus strand). Cytogenetic location: 5q35.3.
Variant type: single nucleotide variant.
Coding change: c.2404G>A on transcript NM_014244.5 (MANE Select); coding-DNA position 2404, G replaced by A.
Protein change: p.Gly802Ser; replaces glycine 802 with serine.
Molecular consequence: missense variant.
Genome position (GRCh38, 1-based): chr5:179,129,985, C>T on the plus strand (G>A on the coding strand, the complement: ADAMTS2 is on the minus strand). VCF-style: chr5-179129985-C-T. GRCh37 (hg19) VCF-style: chr5-178556986-C-T.
Other names: p.Gly802Ser; short protein forms G802S.
Identifiers: ClinVar variation 2045355 (VCV002045355.4), dbSNP rs537171944, ClinGen allele CA3595570.
Genomic context (GRCh38, chr5:179,129,985, plus strand): 5'-GACTCACCAGAACGGTGATGGTGCCGTGGAGGGGGCCCATGGTCTGCAGCGTCTCCCGGC[C>T]GTCCTCGTCTCTGTACTCCCACTCCACGCCCATGGCAATGAAGGTTTTGGAACTGGCATC-3'
Protein context (NP_055059.2, residues 792-812): GVEWEYRDED[Gly802Ser]RETLQTMGPL

ClinVar aggregate classification (germline): Uncertain significance. Review status: criteria provided, multiple submitters, no conflicts (2 of 4 stars). 3 submissions from 3 submitters: Uncertain significance (3). Last evaluated 2025-04-15.

Conditions:
Ehlers-Danlos syndrome, dermatosparaxis type. Also called: Dermatosparaxis; Ehlers-Danlos syndrome, type VII, autosomal recessive; EDS VIIC. Identifiers: Orphanet 1901, MedGen C2700425, MONDO:0009161, OMIM 225410.

Allele frequency attached by ClinVar (database versions not stated): TOPMed 0.00003; gnomAD exomes 0.00003.
gnomAD v4.1: 40 of 1,613,998 alleles (0.0025%); highest among the groups gnomAD compares: Admixed American, 0.0067%; no homozygotes.

Submissions (3):

Mayo Clinic Laboratories, Mayo Clinic
Classification: Uncertain significance. Last evaluated: 2025-04-15. Review status: criteria provided, single submitter. Criteria: ACMG Guidelines, 2015. Collection method: clinical testing. Allele origin: germline. Observed: 2 variant alleles.
Comment: BP4_moderate

Dasa
Classification: Uncertain significance. Last evaluated: 2024-12-14. Review status: criteria provided, single submitter. Criteria: DASA Assertion Criteria. Collection method: clinical testing. Allele origin: germline.
Comment: NM_014244.5(ADAMTS2):c.2404G>A (p.Gly802Ser) is a missense variant that results in the substitution of glycine with serine. This variant is rare in population databases. Computational prediction algorithms are consistent with a benign effect. The currently available literature and clinical evidence are not sufficient to establish a definitive association between this variant and the reported condition. Therefore, this variant is classified as a variant of uncertain significance.

Labcorp Genetics (formerly Invitae), Labcorp
Classification: Uncertain significance for Ehlers-Danlos syndrome, dermatosparaxis type. Last evaluated: 2022-08-21. Review status: criteria provided, single submitter. Criteria: Invitae Variant Classification Sherloc (09022015). Collection method: clinical testing. Allele origin: germline.
Comment: This sequence change replaces glycine, which is neutral and non-polar, with serine, which is neutral and polar, at codon 802 of the ADAMTS2 protein (p.Gly802Ser). The frequency data for this variant in the population databases is considered unreliable, as metrics indicate poor data quality at this position in the gnomAD database. This variant has not been reported in the literature in individuals affected with ADAMTS2-related conditions. Algorithms developed to predict the effect of missense changes on protein structure and function (SIFT, PolyPhen-2, Align-GVGD) all suggest that this variant is likely to be tolerated. In summary, the available evidence is currently insufficient to determine the role of this variant in disease. Therefore, it has been classified as a Variant of Uncertain Significance.